The following is an entry in ClinVar:

ClinVar aggregate classification (germline): Likely benign. Review status: criteria provided, multiple submitters, no conflicts (2 of 4 stars). 3 submissions from 3 submitters: Likely benign (2). 1 of the submissions does not count toward it. Last evaluated 2025-09-27.

Conditions:
CACNA1H-related disorder.
Idiopathic generalized epilepsy. Also called: Generalised epilepsy; EIG. Identifiers: MedGen C0270850, MONDO:0005579, OMIM 600669.
Hyperaldosteronism, familial, type IV (HALD4). Also called: FH IV; ALDOSTERONISM, PRIMARY, AND HYPERTENSION. Identifiers: Orphanet 642671, MedGen C4310756, MONDO:0014875, OMIM 617027.

Allele frequency attached by ClinVar (database versions not stated): gnomAD exomes 0.00001 and 0.00002; ExAC 0.00002; gnomAD 0.00004 and 0.00005; TOPMed 0.00007; ESP Exome Variant Server 0.00008; 1000 Genomes Project 30x 0.00031; 1000 Genomes Project 0.00040.
gnomAD v4.1: 29 of 1,613,534 alleles (0.0018%); highest among the groups gnomAD compares: African/African-American, 0.028%; no homozygotes.

Submissions (3):

Labcorp Genetics (formerly Invitae), Labcorp
Classification: Likely benign for Idiopathic generalized epilepsy; Hyperaldosteronism, familial, type IV. Last evaluated: 2025-09-27. Review status: criteria provided, single submitter. Criteria: Invitae Variant Classification Sherloc (09022015). Collection method: clinical testing. Allele origin: germline.

Blueprint Genetics
Classification: Likely benign. Last evaluated: 2024-09-20. Review status: criteria provided, single submitter. Criteria: ACMG Guidelines, 2015. Collection method: clinical testing. Allele origin: germline.

PreventionGenetics, part of Exact Sciences
Classification: Likely benign for CACNA1H-related condition. Last evaluated: 2019-06-12. Review status: no assertion criteria provided. Collection method: clinical testing. Allele origin: germline. Not counted in ClinVar's aggregate classification.
Comment: This variant is classified as likely benign based on ACMG/AMP sequence variant interpretation guidelines (Richards et al. 2015 PMID: 25741868, with internal and published modifications).

NM_021098.3(CACNA1H):c.4644C>T (p.Asn1548=)

Gene: CACNA1H (calcium voltage-gated channel subunit alpha1 H; plus strand). Cytogenetic location: 16p13.3.
Variant type: single nucleotide variant.
Coding change: c.4644C>T on transcript NM_021098.3 (MANE Select); coding-DNA position 4644, C replaced by T.
Protein change: p.Asn1548=; no amino-acid change (asparagine 1548 retained).
Molecular consequence: synonymous variant.
Genome position (GRCh38, 1-based): chr16:1,212,023, C>T. VCF-style: chr16-1212023-C-T. GRCh37 (hg19) VCF-style: chr16-1262023-C-T.
Other names: c.4644C>T, p.Asn1548= (NM_001005407.2).
Identifiers: ClinVar variation 745016 (VCV000745016.13), dbSNP rs146103792, ClinGen allele CA7801472.